The following is an entry in ClinVar:

NM_032578.4(MYPN):c.660G>A (p.Arg220=)

Gene: MYPN (myopalladin; plus strand). Cytogenetic location: 10q21.3.
Variant type: single nucleotide variant.
Coding change: c.660G>A on transcript NM_032578.4 (MANE Select); coding-DNA position 660, G replaced by A.
Protein change: p.Arg220=; no amino-acid change (arginine 220 retained).
Molecular consequence: synonymous variant. On other transcripts: 5 prime UTR variant (1), non-coding transcript variant (1).
Genome position (GRCh38, 1-based): chr10:68,122,098, G>A. VCF-style: chr10-68122098-G-A. GRCh37 (hg19) VCF-style: chr10-69881855-G-A.
Other names: c.660G>A, p.Arg220= (NM_001256267.2); c.-463G>A (NM_001256268.2).
Identifiers: ClinVar variation 382816 (VCV000382816.24), dbSNP rs372218308, ClinGen allele CA5522308.
Genomic context (GRCh38, chr10:68,122,098, plus strand): 5'-AGATCTGTCAGAAAGACGAGAAAGATCTTCTGTTCCCATCCCTATCCCTGCGGATACCAG[G>A]GATAATGAAGTGAATCACGCCCTGGAACAGCAGGAAGCCAAGAGGCGTGAAGCGGAGCAG-3'
Protein context (NP_115967.2, residues 210-230): SVPIPIPADT[Arg220=]DNEVNHALEQ

ClinVar aggregate classification (germline): Benign/Likely benign. Review status: criteria provided, multiple submitters, no conflicts (2 of 4 stars). 8 submissions from 8 submitters: Benign (1); Likely benign (3). 4 of the submissions do not count toward it. Last evaluated 2026-07-01.

Conditions:
Cardiovascular phenotype. Identifiers: MedGen CN230736.
MYPN-related disorder. Also called: MYPN-related condition.
Dilated cardiomyopathy 1KK (CMD1KK). Identifiers: Orphanet 154, Orphanet 75249, MedGen C3714995, MONDO:0014100, OMIM 615248.

Allele frequency attached by ClinVar (database versions not stated): gnomAD exomes 0.00003 and 0.00017; gnomAD 0.00007 and 0.00013; TOPMed 0.00007; ExAC 0.00020; 1000 Genomes Project 30x 0.00078; 1000 Genomes Project 0.00080.
gnomAD v4.1: 85 of 1,614,150 alleles (0.0053%); highest among the groups gnomAD compares: East Asian, 0.11%; 1 homozygote.

Submissions (8):

CeGaT Center for Human Genetics Tuebingen
Classification: Likely benign. Last evaluated: 2026-07-01. Review status: criteria provided, single submitter. Criteria: CeGaT Center For Human Genetics Tuebingen Variant Classification Criteria Version 2. Collection method: clinical testing. Allele origin: germline. Affected: yes. Observed: 2 variant alleles.
Comment: MYPN: BP4, BP7

Labcorp Genetics (formerly Invitae), Labcorp
Classification: Benign for Dilated cardiomyopathy 1KK. Last evaluated: 2025-10-27. Review status: criteria provided, single submitter. Criteria: Invitae Variant Classification Sherloc (09022015). Collection method: clinical testing. Allele origin: germline.

Ambry Genetics
Classification: Likely benign for Cardiovascular phenotype. Last evaluated: 2016-01-11. Review status: criteria provided, single submitter. Criteria: Ambry Variant Classification Scheme 2023. Collection method: clinical testing. Allele origin: germline.

GeneDx
Classification: Likely benign. Last evaluated: 2016-01-05. Review status: criteria provided, single submitter. Criteria: GeneDx Variant Classification (06012015). Collection method: clinical testing. Allele origin: germline. Affected: yes.
Comment: This variant is considered likely benign or benign based on one or more of the following criteria: it is a conservative change, it occurs at a poorly conserved position in the protein, it is predicted to be benign by multiple in silico algorithms, and/or has population frequency not consistent with disease.

PreventionGenetics, part of Exact Sciences
Classification: Likely benign for MYPN-related condition. Last evaluated: 2019-08-19. Review status: no assertion criteria provided. Collection method: clinical testing. Allele origin: germline. Not counted in ClinVar's aggregate classification.
Comment: This variant is classified as likely benign based on ACMG/AMP sequence variant interpretation guidelines (Richards et al. 2015 PMID: 25741868, with internal and published modifications).

Clinical Genetics, Academic Medical Center
Classification: Benign. Review status: no assertion criteria provided. Collection method: clinical testing. Allele origin: germline. Affected: yes. Study: VKGL Data-share Consensus. Not counted in ClinVar's aggregate classification.

Genome Diagnostics Laboratory, University Medical Center Utrecht
Classification: Likely benign. Review status: no assertion criteria provided. Collection method: clinical testing. Allele origin: germline. Affected: yes. Study: VKGL Data-share Consensus. Not counted in ClinVar's aggregate classification.

Joint Genome Diagnostic Labs from Nijmegen and Maastricht, Radboudumc and MUMC+
Classification: Likely benign. Review status: no assertion criteria provided. Collection method: clinical testing. Allele origin: germline. Affected: yes. Study: VKGL Data-share Consensus. Not counted in ClinVar's aggregate classification.